The following is an entry in ClinVar:

NM_004519.4(KCNQ3):c.1388C>T (p.Pro463Leu)

Gene: KCNQ3 (potassium voltage-gated channel subfamily Q member 3; minus strand). Cytogenetic location: 8q24.22.
Variant type: single nucleotide variant.
Coding change: c.1388C>T on transcript NM_004519.4 (MANE Select); coding-DNA position 1388, C replaced by T.
Protein change: p.Pro463Leu; replaces proline 463 with leucine.
Molecular consequence: missense variant.
Genome position (GRCh38, 1-based): chr8:132,141,206, G>A on the plus strand (C>T on the coding strand, the complement: KCNQ3 is on the minus strand). VCF-style: chr8-132141206-G-A. GRCh37 (hg19) VCF-style: chr8-133153453-G-A.
Other names: c.1028C>T, p.Pro343Leu (NM_001204824.2); short protein forms P343L, P463L.
Identifiers: ClinVar variation 1510743 (VCV001510743.8), dbSNP rs1563769019, ClinGen allele CA372219980.

ClinVar aggregate classification (germline): Uncertain significance (1 of 4 stars; one submission).

Conditions:
Benign neonatal seizures. Also called: Benign neonatal familial convulsions; Benign familial neonatal seizures; Convulsions benign familial neonatal dominant form; Autosomal dominant form of benign neonatal seizures; Benign familial neonatal epilepsy. Identifiers: Orphanet 1949, MedGen C0220669, MONDO:0016027.

gnomAD v4.1: 1 of 1,614,216 alleles (0.000062%); highest among the groups gnomAD compares: Non-Finnish European, 0.000085%; no homozygotes.

Submission:

Labcorp Genetics (formerly Invitae), Labcorp
Classification: Uncertain significance for Benign neonatal seizures. Last evaluated: 2024-01-02. Review status: criteria provided, single submitter. Criteria: Invitae Variant Classification Sherloc (09022015). Collection method: clinical testing. Allele origin: germline.
Comment: This sequence change replaces proline, which is neutral and non-polar, with leucine, which is neutral and non-polar, at codon 463 of the KCNQ3 protein (p.Pro463Leu). This variant is not present in population databases (gnomAD no frequency). This variant has not been reported in the literature in individuals affected with KCNQ3-related conditions. ClinVar contains an entry for this variant (Variation ID: 1510743). Advanced modeling of protein sequence and biophysical properties (such as structural, functional, and spatial information, amino acid conservation, physicochemical variation, residue mobility, and thermodynamic stability) performed at Invitae indicates that this missense variant is not expected to disrupt KCNQ3 protein function with a negative predictive value of 80%. In summary, the available evidence is currently insufficient to determine the role of this variant in disease. Therefore, it has been classified as a Variant of Uncertain Significance.